The following is an entry in ClinVar:

NM_144670.6(A2ML1):c.3322A>T (p.Met1108Leu)

Gene: A2ML1 (alpha-2-macroglobulin like 1; plus strand). Cytogenetic location: 12p13.31.
Variant type: single nucleotide variant.
Coding change: c.3322A>T on transcript NM_144670.6 (MANE Select); coding-DNA position 3322, A replaced by T.
Protein change: p.Met1108Leu; replaces methionine 1108 with leucine.
Molecular consequence: missense variant.
Genome position (GRCh38, 1-based): chr12:8,860,938, A>T. VCF-style: chr12-8860938-A-T. GRCh37 (hg19) VCF-style: chr12-9013534-A-T.
Other names: c.1849A>T, p.Met617Leu (NM_001282424.3); short protein forms M1108L, M617L.
Identifiers: ClinVar variation 1730212 (VCV001730212.8), dbSNP rs780262392, ClinGen allele CA6436335.

ClinVar aggregate classification (germline): Conflicting classifications of pathogenicity. Review status: criteria provided, conflicting classifications (1 of 4 stars). 2 submissions from 2 submitters: Uncertain significance (1); Likely benign (1). Last evaluated 2026-01-09.

Allele frequency attached by ClinVar (database versions not stated): gnomAD 0.00005; 1000 Genomes Project 30x 0.00016; 1000 Genomes Project 0.00020; ExAC 0.00027.

Submissions (2):

Labcorp Genetics (formerly Invitae), Labcorp
Classification: Likely benign. Last evaluated: 2026-01-09. Review status: criteria provided, single submitter. Criteria: Invitae Variant Classification Sherloc (09022015). Collection method: clinical testing. Allele origin: germline.

Ambry Genetics
Classification: Uncertain significance. Last evaluated: 2025-06-20. Review status: criteria provided, single submitter. Criteria: Ambry Variant Classification Scheme 2023. Collection method: clinical testing. Allele origin: germline.
Comment: The p.M1108L variant (also known as c.3322A>T), located in coding exon 27 of the A2ML1 gene, results from an A to T substitution at nucleotide position 3322. The methionine at codon 1108 is replaced by leucine, an amino acid with highly similar properties. This amino acid position is conserved. In addition, this alteration is predicted to be tolerated by in silico analysis. Since supporting evidence is limited at this time, the clinical significance of this alteration remains unclear.